The following is an entry in ClinVar:

NM_001032283.3(TMPO):c.565+2029A>G

Gene: TMPO (thymopoietin; plus strand). Cytogenetic location: 12q23.1.
Variant type: single nucleotide variant.
Coding change: c.565+2029A>G on transcript NM_001032283.3 (MANE Select); 2029 bases into the intron after coding-DNA position 565, A replaced by G.
Molecular consequence: intron variant. On other transcripts: missense variant (1).
Genome position (GRCh38, 1-based): chr12:98,533,867, A>G. VCF-style: chr12-98533867-A-G. GRCh37 (hg19) VCF-style: chr12-98927645-A-G.
Other names: c.1610A>G, p.Asp537Gly (NM_003276.2); c.565+2029A>G (NM_001307975.2, NM_001032284.3); short protein forms D537G.
Identifiers: ClinVar variation 1776375 (VCV001776375.8), dbSNP rs200717863, ClinGen allele CA6732443.
Genomic context (GRCh38, chr12:98,533,867, plus strand): 5'-CATGCAAATATCCAGTTTCTTCCAGGGAGGCAACACAGATATTATCAGTTCCAAAAGTAG[A>G]TGATGAAATCCTAGGGTTTATTTCTGAAGCCACTCCACTAGGAGGTATTCAAGCAGCCTC-3'

ClinVar aggregate classification (germline): Uncertain significance. Review status: criteria provided, multiple submitters, no conflicts (2 of 4 stars). 2 submissions from 2 submitters: Uncertain significance (2). Last evaluated 2025-05-13.

Conditions:
Loeys-Dietz syndrome 2 (LDS2). Also called: TGFBR2-Related Loeys-Dietz Syndrome; AORTIC ANEURYSM, FAMILIAL THORACIC 3; MARFAN SYNDROME, TYPE II; Marfan syndrome, type 2 (formerly); Marfan Syndrome type 2; Marfan like connective tissue disorder. Identifiers: Orphanet 284973, Orphanet 558, MedGen C2674574, MONDO:0012427, OMIM 610168.

Allele frequency attached by ClinVar (database versions not stated): gnomAD exomes 0.00001; ExAC 0.00002; TOPMed 0.00002; 1000 Genomes Project 0.00020; 1000 Genomes Project 30x 0.00031; gnomAD 0.00001.
gnomAD v4.1: 13 of 1,614,234 alleles (0.00081%); highest among the groups gnomAD compares: Admixed American, 0.0017%; no homozygotes.

Submissions (2):

Ambry Genetics
Classification: Uncertain significance. Last evaluated: 2025-05-13. Review status: criteria provided, single submitter. Criteria: Ambry Variant Classification Scheme 2023. Collection method: clinical testing. Allele origin: germline.

Labcorp Genetics (formerly Invitae), Labcorp
Classification: Uncertain significance for Loeys-Dietz syndrome 2. Last evaluated: 2022-03-28. Review status: criteria provided, single submitter. Criteria: Invitae Variant Classification Sherloc (09022015). Collection method: clinical testing. Allele origin: germline.
Comment: In summary, the available evidence is currently insufficient to determine the role of this variant in disease. Therefore, it has been classified as a Variant of Uncertain Significance. Algorithms developed to predict the effect of missense changes on protein structure and function are either unavailable or do not agree on the potential impact of this missense change (SIFT: "Deleterious"; PolyPhen-2: "Probably Damaging"; Align-GVGD: "Class C0"). This variant has not been reported in the literature in individuals affected with TMPO-related conditions. This variant is present in population databases (rs200717863, gnomAD 0.003%). This sequence change replaces aspartic acid, which is acidic and polar, with glycine, which is neutral and non-polar, at codon 537 of the TMPO protein (p.Asp537Gly).